The following is an entry in ClinVar:

ClinVar aggregate classification (germline): Uncertain significance. Review status: criteria provided, multiple submitters, no conflicts (2 of 4 stars). 2 submissions from 2 submitters: Uncertain significance (2). Last evaluated 2025-08-22.

Allele frequency attached by ClinVar (database versions not stated): ExAC 0.00002; gnomAD 0.00003; gnomAD exomes 0.00003; TOPMed 0.00003; ESP Exome Variant Server 0.00008.
gnomAD v4.1: 55 of 1,612,348 alleles (0.0034%); highest among the groups gnomAD compares: Middle Eastern, 0.018%; no homozygotes.

Submissions (2):

Labcorp Genetics (formerly Invitae), Labcorp
Classification: Uncertain significance. Last evaluated: 2025-08-22. Review status: criteria provided, single submitter. Criteria: Invitae Variant Classification Sherloc (09022015). Collection method: clinical testing. Allele origin: germline.
Comment: This sequence change replaces serine, which is neutral and polar, with leucine, which is neutral and non-polar, at codon 1390 of the DSCAML1 protein (p.Ser1390Leu). This variant is present in population databases (rs369231767, gnomAD 0.02%). This variant has not been reported in the literature in individuals affected with DSCAML1-related conditions. ClinVar contains an entry for this variant (Variation ID: 2170235). An algorithm developed to predict the effect of missense changes on protein structure and function outputs the following: PolyPhen-2: "Benign". The leucine amino acid residue is found in multiple mammalian species, which suggests that this missense change does not adversely affect protein function. In summary, the available evidence is currently insufficient to determine the role of this variant in disease. Therefore, it has been classified as a Variant of Uncertain Significance.

Ambry Genetics
Classification: Uncertain significance. Last evaluated: 2025-01-07. Review status: criteria provided, single submitter. Criteria: Ambry Variant Classification Scheme 2023. Collection method: clinical testing. Allele origin: germline.

NM_020693.4(DSCAML1):c.3989C>T (p.Ser1330Leu)

Gene: DSCAML1 (DS cell adhesion molecule like 1; minus strand). Cytogenetic location: 11q23.3.
Variant type: single nucleotide variant.
Coding change: c.3989C>T on transcript NM_020693.4 (MANE Select); coding-DNA position 3989, C replaced by T.
Protein change: p.Ser1330Leu; replaces serine 1330 with leucine.
Molecular consequence: missense variant.
Genome position (GRCh38, 1-based): chr11:117,439,421, G>A on the plus strand (C>T on the coding strand, the complement: DSCAML1 is on the minus strand). VCF-style: chr11-117439421-G-A. GRCh37 (hg19) VCF-style: chr11-117310137-G-A.
Other names: c.4169C>T (NM_020693.2); short protein forms S1330L.
Identifiers: ClinVar variation 2170235 (VCV002170235.5), dbSNP rs369231767, ClinGen allele CA6296512.
Genomic context (GRCh38, chr11:117,439,421, plus strand): 5'-AGCAGCAGTGTGCCATTGGTGTGGATGAGCCGGTGCCCATCCATGGACACTGGAATGGCC[G>A]AGTCTTCACTGCCAGGGGCGAGGATGGGGCGGGTGGGTCATGTCAAGCACCCCTTCCTCC-3'
Protein context (NP_065744.3, residues 1320-1340): AVKWTKDSED[Ser1330Leu]AIPVSMDGHR